The following is an entry in ClinVar:

NM_020702.5(MYORG):c.1202G>C (p.Arg401Pro)

Gene: MYORG (myogenesis regulating glycosidase; minus strand). Cytogenetic location: 9p13.3.
Variant type: single nucleotide variant.
Coding change: c.1202G>C on transcript NM_020702.5 (MANE Select); coding-DNA position 1202, G replaced by C.
Protein change: p.Arg401Pro; replaces arginine 401 with proline.
Molecular consequence: missense variant.
Genome position (GRCh38, 1-based): chr9:34,371,742, C>G on the plus strand (G>C on the coding strand, the complement: MYORG is on the minus strand). VCF-style: chr9-34371742-C-G. GRCh37 (hg19) VCF-style: chr9-34371740-C-G.
Other names: short protein forms R401P.
Identifiers: ClinVar variation 2202393 (VCV002202393.4), dbSNP rs771258817, ClinGen allele CA192625064.

ClinVar aggregate classification (germline): Uncertain significance (1 of 4 stars; one submission).

Submission:

Labcorp Genetics (formerly Invitae), Labcorp
Classification: Uncertain significance. Last evaluated: 2022-11-29. Review status: criteria provided, single submitter. Criteria: Invitae Variant Classification Sherloc (09022015). Collection method: clinical testing. Allele origin: germline.
Comment: Advanced modeling of protein sequence and biophysical properties (such as structural, functional, and spatial information, amino acid conservation, physicochemical variation, residue mobility, and thermodynamic stability) performed at Invitae indicates that this missense variant is not expected to disrupt KIAA1161 protein function. In summary, the available evidence is currently insufficient to determine the role of this variant in disease. Therefore, it has been classified as a Variant of Uncertain Significance. This missense change has been observed in individual(s) with clinical features of KIAA1161-related conditions (Invitae). In at least one individual the data is consistent with being in trans (on the opposite chromosome) from a pathogenic variant. This variant is present in population databases (no rsID available, gnomAD 0.006%). This sequence change replaces arginine, which is basic and polar, with proline, which is neutral and non-polar, at codon 401 of the KIAA1161 protein (p.Arg401Pro).